The following is an entry in ClinVar:

ClinVar aggregate classification (germline): Uncertain significance (1 of 4 stars; one submission).

Submission:

Labcorp Genetics (formerly Invitae), Labcorp
Classification: Uncertain significance. Last evaluated: 2022-08-15. Review status: criteria provided, single submitter. Criteria: Invitae Variant Classification Sherloc (09022015). Collection method: clinical testing. Allele origin: germline.
Comment: This variant, c.235_237del, results in the deletion of 1 amino acid(s) of the SCO2 protein (p.Arg79del), but otherwise preserves the integrity of the reading frame. This variant is not present in population databases (gnomAD no frequency). This variant has not been reported in the literature in individuals affected with SCO2-related conditions. ClinVar contains an entry for this variant (Variation ID: 1511706). Experimental studies and prediction algorithms are not available or were not evaluated, and the functional significance of this variant is currently unknown. In summary, the available evidence is currently insufficient to determine the role of this variant in disease. Therefore, it has been classified as a Variant of Uncertain Significance.

NM_005138.3(SCO2):c.235_237del (p.Arg79del)

Genes: NCAPH2 (non-SMC condensin II complex subunit H2; plus strand), SCO2 (synthesis of cytochrome C oxidase 2; minus strand). Cytogenetic location: 22q13.33.
Variant type: Deletion.
Coding change: c.235_237del on transcript NM_005138.3 (MANE Select); coding-DNA positions 235 to 237, 3 bases deleted (AGG; older notation c.235_237delAGG).
Protein change: p.Arg79del; deletes arginine 79.
Molecular consequence: inframe deletion. On other transcripts: 3 prime UTR variant (2).
Genome position (GRCh38, 1-based): chr22:50,524,175-50,524,177, CCT deleted on the plus strand (AGG on the coding strand, the reverse complement: SCO2 is on the minus strand); deleting any 3 consecutive bases within chr22:50,524,175-50,524,178 gives the same sequence; the c. name uses the placement nearest the transcript's 3' end. VCF-style (leftmost placement, unchanged base first): chr22-50524174-CCCT-C. GRCh37 (hg19) VCF-style: chr22-50962603-CCCT-C.
Other names: c.*801_*803del (NM_001185011.2, NM_152299.4); c.235_237del, p.Arg79del (NM_001169109.2, NM_001169110.1, NM_001169111.2); short protein forms R79del.
Identifiers: ClinVar variation 1511706 (VCV001511706.5), dbSNP rs891683561, ClinGen allele CA325555931.